The following is an entry in ClinVar:

ClinVar aggregate classification (germline): Uncertain significance (1 of 4 stars; one submission).

Conditions:
Brown-Vialetto-van Laere syndrome 2. Also called: Riboflavin transporter deficiency type 2; SPINOCEREBELLAR ATAXIA WITH BLINDNESS AND DEAFNESS 2. Identifiers: Orphanet 572543, Orphanet 97229, MedGen C3553538, MONDO:0013867, OMIM 614707.

Allele frequency attached by ClinVar (database versions not stated): gnomAD exomes below 0.00001.
gnomAD v4.1: 1 of 1,613,716 alleles (0.000062%); highest among the groups gnomAD compares: Non-Finnish European, 0.000085%; no homozygotes.

Submission:

Labcorp Genetics (formerly Invitae), Labcorp
Classification: Uncertain significance for Brown-Vialetto-van Laere syndrome 2. Last evaluated: 2020-03-25. Review status: criteria provided, single submitter. Criteria: Invitae Variant Classification Sherloc (09022015). Collection method: clinical testing. Allele origin: germline.
Comment: This variant is not present in population databases (ExAC no frequency). This variant has not been reported in the literature in individuals with SLC52A2-related conditions. This sequence change replaces arginine with lysine at codon 70 of the SLC52A2 protein (p.Arg70Lys). The arginine residue is highly conserved and there is a small physicochemical difference between arginine and lysine. Algorithms developed to predict the effect of missense changes on protein structure and function (SIFT, PolyPhen-2, Align-GVGD) all suggest that this variant is likely to be tolerated, but these predictions have not been confirmed by published functional studies and their clinical significance is uncertain. In summary, the available evidence is currently insufficient to determine the role of this variant in disease. Therefore, it has been classified as a Variant of Uncertain Significance.

NM_001363118.2(SLC52A2):c.209G>A (p.Arg70Lys)

Gene: SLC52A2 (solute carrier family 52 member 2; plus strand). Cytogenetic location: 8q24.3.
Variant type: single nucleotide variant.
Coding change: c.209G>A on transcript NM_001363118.2 (MANE Select); coding-DNA position 209, G replaced by A.
Protein change: p.Arg70Lys; replaces arginine 70 with lysine.
Molecular consequence: missense variant. On other transcripts: non-coding transcript variant (1), intron variant (1).
Genome position (GRCh38, 1-based): chr8:144,359,701, G>A. VCF-style: chr8-144359701-G-A. GRCh37 (hg19) VCF-style: chr8-145583361-G-A.
Other names: c.209G>A, p.Arg70Lys (NM_001253815.2, NM_001253816.2, NM_001363120.2 and 2 more transcripts); c.130+278G>A (NM_001363122.2); short protein forms R70K.
Identifiers: ClinVar variation 1025204 (VCV001025204.5), dbSNP rs1818697851, ClinGen allele CA372626434.
Genomic context (GRCh38, chr8:144,359,701, plus strand): 5'-ACGTCTCTGTGCTTGTGGCTCTGGGGAACCTGGGTCTGCTGGTGGTGACCCTCTGGAGGA[G>A]GCTGGCCCCAGGAAAGGACGAGCAGGTCCCCATCCGGGTGGTGCAGGTGCTGGGCATGGT-3'
Protein context (NP_001350047.1, residues 60-80): LGLLVVTLWR[Arg70Lys]LAPGKDEQVP